The following is an entry in ClinVar:

ClinVar aggregate classification (germline): Uncertain significance (1 of 4 stars; one submission).

gnomAD v4.1: 3 of 1,614,238 alleles (0.00019%); highest among the groups gnomAD compares: Non-Finnish European, 0.00025%; no homozygotes.

Submission:

Labcorp Genetics (formerly Invitae), Labcorp
Classification: Uncertain significance. Last evaluated: 2023-06-14. Review status: criteria provided, single submitter. Criteria: Invitae Variant Classification Sherloc (09022015). Collection method: clinical testing. Allele origin: germline.
Comment: In summary, the available evidence is currently insufficient to determine the role of this variant in disease. Therefore, it has been classified as a Variant of Uncertain Significance. Advanced modeling of protein sequence and biophysical properties (such as structural, functional, and spatial information, amino acid conservation, physicochemical variation, residue mobility, and thermodynamic stability) performed at Invitae indicates that this missense variant is not expected to disrupt ACO2 protein function. This variant has not been reported in the literature in individuals affected with ACO2-related conditions. This variant is not present in population databases (gnomAD no frequency). This sequence change replaces proline, which is neutral and non-polar, with leucine, which is neutral and non-polar, at codon 77 of the ACO2 protein (p.Pro77Leu).

NM_001098.3(ACO2):c.230C>T (p.Pro77Leu)

Gene: ACO2 (aconitase 2; plus strand). Cytogenetic location: 22q13.2.
Variant type: single nucleotide variant.
Coding change: c.230C>T on transcript NM_001098.3 (MANE Select); coding-DNA position 230, C replaced by T.
Protein change: p.Pro77Leu; replaces proline 77 with leucine.
Molecular consequence: missense variant.
Genome position (GRCh38, 1-based): chr22:41,507,847, C>T. VCF-style: chr22-41507847-C-T. GRCh37 (hg19) VCF-style: chr22-41903851-C-T.
Other names: short protein forms P77L.
Identifiers: ClinVar variation 2990400 (VCV002990400.3), dbSNP rs2518216717, ClinGen allele CA411713046.